The following is an entry in ClinVar:

ClinVar aggregate classification (germline): Benign/Likely benign. Review status: criteria provided, multiple submitters, no conflicts (2 of 4 stars). 5 submissions from 5 submitters: Benign (4); Likely benign (1). Last evaluated 2026-01-28.

Allele frequency attached by ClinVar (database versions not stated): ExAC 0.00085; ESP Exome Variant Server 0.00258; 1000 Genomes Project 30x 0.00265; 1000 Genomes Project 0.00280; gnomAD 0.00365 and 0.00393; TOPMed 0.00383.
gnomAD v4.1: 1,049 of 1,610,476 alleles (0.065%); highest among the groups gnomAD compares: African/African-American, 1.3%; 7 homozygotes.

Submissions (5):

Labcorp Genetics (formerly Invitae), Labcorp
Classification: Benign. Last evaluated: 2026-01-28. Review status: criteria provided, single submitter. Criteria: Invitae Variant Classification Sherloc (09022015). Collection method: clinical testing. Allele origin: germline.

Mayo Clinic Laboratories, Mayo Clinic
Classification: Benign. Last evaluated: 2025-10-13. Review status: criteria provided, single submitter. Criteria: ACMG Guidelines, 2015. Collection method: clinical testing. Allele origin: germline. Observed: 1 variant allele.
Comment: BS1, BS2, BP4, BP7

Blueprint Genetics
Classification: Likely benign. Last evaluated: 2024-11-11. Review status: criteria provided, single submitter. Criteria: ACMG Guidelines, 2015. Collection method: clinical testing. Allele origin: germline.

Genetic Services Laboratory, University of Chicago
Classification: Benign. Last evaluated: 2020-12-02. Review status: criteria provided, single submitter. Criteria: ACMG Guidelines, 2015. Collection method: clinical testing. Allele origin: germline. Affected: no.

Breakthrough Genomics
Classification: Benign. Review status: criteria provided, single submitter. Criteria: ACMG Guidelines, 2015. Collection method: not provided. Allele origin: germline. Inheritance: Autosomal recessive inheritance. Affected: yes.

NM_015175.3(NBEAL2):c.2196G>A (p.Thr732=)

Gene: NBEAL2 (neurobeachin like 2; plus strand). Cytogenetic location: 3p21.31.
Variant type: single nucleotide variant.
Coding change: c.2196G>A on transcript NM_015175.3 (MANE Select); coding-DNA position 2196, G replaced by A.
Protein change: p.Thr732=; no amino-acid change (threonine 732 retained).
Molecular consequence: synonymous variant.
Genome position (GRCh38, 1-based): chr3:46,996,315, G>A. VCF-style: chr3-46996315-G-A. GRCh37 (hg19) VCF-style: chr3-47037805-G-A.
Other names: p.Thr732=; c.2094G>A, p.Thr698= (NM_001365116.2).
Identifiers: ClinVar variation 787784 (VCV000787784.12), dbSNP rs201880318, ClinGen allele CA2360578.